The following is an entry in ClinVar:

ClinVar aggregate classification (germline): Benign. Review status: criteria provided, multiple submitters, no conflicts (2 of 4 stars). 8 submissions from 8 submitters: Benign (7). 1 of the submissions does not count toward it. Last evaluated 2026-02-03.

Conditions:
Inborn genetic diseases. Identifiers: MedGen C0950123, MeSH D030342.
Syndromic X-linked intellectual disability 94 (MRXSW). Also called: X-linked intellectual disability due to GRIA3 anomalies; MENTAL RETARDATION, X-LINKED, SYNDROMIC 29. Identifiers: Orphanet 364028, MedGen C2678051, MONDO:0010402, OMIM 300699.

Allele frequency attached by ClinVar (database versions not stated): 1000 Genomes Project 30x 0.52279; 1000 Genomes Project 0.52901; ESP Exome Variant Server 0.54549; TOPMed 0.55075; gnomAD 0.57798; ExAC 0.58072; gnomAD exomes 0.58726.

Submissions (8):

Labcorp Genetics (formerly Invitae), Labcorp
Classification: Benign. Last evaluated: 2026-02-03. Review status: criteria provided, single submitter. Criteria: Invitae Variant Classification Sherloc (09022015). Collection method: clinical testing. Allele origin: germline.

Blueprint Genetics
Classification: Benign. Last evaluated: 2024-11-28. Review status: criteria provided, single submitter. Criteria: ACMG Guidelines, 2015. Collection method: clinical testing. Allele origin: germline.

Genome-Nilou Lab
Classification: Benign for Syndromic X-linked intellectual disability 94. Last evaluated: 2021-08-10. Review status: criteria provided, single submitter. Criteria: ACMG Guidelines, 2015. Collection method: clinical testing. Allele origin: germline. Affected: no.

GeneDx
Classification: Benign. Last evaluated: 2018-07-26. Review status: criteria provided, single submitter. Criteria: GeneDx Variant Classification Process June 2021. Collection method: clinical testing. Allele origin: germline. Affected: yes.

Mayo Clinic Laboratories, Mayo Clinic
Classification: Benign. Last evaluated: 2018-04-02. Review status: criteria provided, single submitter. Criteria: ACMG Guidelines, 2015. Collection method: clinical testing. Allele origin: germline. Observed: 389 variant alleles.

Ambry Genetics
Classification: Benign for Inborn genetic diseases. Last evaluated: 2015-06-22. Review status: criteria provided, single submitter. Criteria: Ambry Variant Classification Scheme 2023. Collection method: clinical testing. Allele origin: germline.

Breakthrough Genomics
Classification: Benign. Review status: criteria provided, single submitter. Criteria: ACMG Guidelines, 2015. Collection method: not provided. Allele origin: germline. Inheritance: X-linked inheritance. Affected: yes.

Genetic Services Laboratory, University of Chicago
Classification: Likely benign for AllHighlyPenetrant. Review status: no assertion criteria provided. Collection method: clinical testing. Allele origin: germline. Inheritance: X-linked inheritance. Not counted in ClinVar's aggregate classification.
Comment: Likely benign based on allele frequency in 1000 Genomes Project or ESP global frequency and its presence in a patient with a rare or unrelated disease phenotype. NOT Sanger confirmed.

NM_007325.5(GRIA3):c.1200T>C (p.Asn400=)

Gene: GRIA3 (glutamate ionotropic receptor AMPA type subunit 3; plus strand). Cytogenetic location: Xq25.
Variant type: single nucleotide variant.
Coding change: c.1200T>C on transcript NM_007325.5 (MANE Select); coding-DNA position 1200, T replaced by C.
Protein change: p.Asn400=; no amino-acid change (asparagine 400 retained).
Molecular consequence: synonymous variant.
Genome position (GRCh38, 1-based): chrX:123,403,426, T>C. VCF-style: chrX-123403426-T-C. GRCh37 (hg19) VCF-style: chrX-122537277-T-C.
Other names: p.Asn400=; c.1200T>C, p.Asn400= (NM_000828.5).
Identifiers: ClinVar variation 129167 (VCV000129167.24), dbSNP rs502434, ClinGen allele CA153002.